The following is an entry in ClinVar:

NM_004369.4(COL6A3):c.6157-16G>A

Gene: COL6A3 (collagen type VI alpha 3 chain; minus strand). Cytogenetic location: 2q37.3.
Variant type: single nucleotide variant.
Coding change: c.6157-16G>A on transcript NM_004369.4 (MANE Select); 16 bases into the intron before coding-DNA position 6157, G replaced by A.
Molecular consequence: intron variant.
Genome position (GRCh38, 1-based): chr2:237,361,190, C>T on the plus strand (G>A on the coding strand, the complement: COL6A3 is on the minus strand). VCF-style: chr2-237361190-C-T. GRCh37 (hg19) VCF-style: chr2-238269833-C-T.
Other names: c.4336-16G>A (NM_057166.5); c.5539-16G>A (NM_057167.4).
Identifiers: ClinVar variation 94955 (VCV000094955.17), dbSNP rs112637114, ClinGen allele CA147989.

ClinVar aggregate classification (germline): Benign. Review status: criteria provided, multiple submitters, no conflicts (2 of 4 stars). 7 submissions from 7 submitters: Benign (5). 2 of the submissions do not count toward it. Last evaluated 2026-01-28.

Conditions:
Bethlem myopathy 1A. Also called: Bethlem myopathy 1; Bethlem Muscular Dystrophy; MYOPATHY, BENIGN CONGENITAL, WITH CONTRACTURES. Identifiers: Orphanet 610, MedGen CN029274, MONDO:0024530, OMIM 158810.

Allele frequency attached by ClinVar (database versions not stated): 1000 Genomes Project 0.01318; gnomAD 0.01524 and 0.01410; ESP Exome Variant Server 0.01607; TOPMed 0.01647; 1000 Genomes Project 30x 0.01452.
gnomAD v4.1: 4,910 of 1,612,922 alleles (0.3%); highest among the groups gnomAD compares: African/African-American, 4.7%; 89 homozygotes.

Submissions (7):

Labcorp Genetics (formerly Invitae), Labcorp
Classification: Benign for Bethlem myopathy 1A. Last evaluated: 2026-01-28. Review status: criteria provided, single submitter. Criteria: Invitae Variant Classification Sherloc (09022015). Collection method: clinical testing. Allele origin: germline.

GeneDx
Classification: Benign. Last evaluated: 2016-08-31. Review status: criteria provided, single submitter. Criteria: GeneDx Variant Classification (06012015). Collection method: clinical testing. Allele origin: germline. Affected: yes.
Comment: This variant is considered likely benign or benign based on one or more of the following criteria: it is a conservative change, it occurs at a poorly conserved position in the protein, it is predicted to be benign by multiple in silico algorithms, and/or has population frequency not consistent with disease.

Eurofins Ntd Llc (ga)
Classification: Benign. Last evaluated: 2013-08-12. Review status: criteria provided, single submitter. Criteria: EGL Classification Definitions 2015. Collection method: clinical testing. Allele origin: germline. Observed: 3 variant alleles, 3 heterozygotes.

Breakthrough Genomics
Classification: Benign. Review status: criteria provided, single submitter. Criteria: ACMG Guidelines, 2015. Collection method: not provided. Allele origin: germline. Inheritance: Autosomal recessive inheritance. Affected: yes.

PreventionGenetics, part of Exact Sciences
Classification: Benign. Review status: criteria provided, single submitter. Criteria: ACMG Guidelines, 2015. Collection method: clinical testing. Allele origin: germline.

Joint Genome Diagnostic Labs from Nijmegen and Maastricht, Radboudumc and MUMC+
Classification: Benign. Review status: no assertion criteria provided. Collection method: clinical testing. Allele origin: germline. Affected: yes. Study: VKGL Data-share Consensus. Not counted in ClinVar's aggregate classification.

Laboratory of Diagnostic Genome Analysis, Leiden University Medical Center (LUMC)
Classification: Likely benign. Review status: no assertion criteria provided. Collection method: clinical testing. Allele origin: germline. Affected: yes. Study: VKGL Data-share Consensus. Not counted in ClinVar's aggregate classification.